The following is an entry in ClinVar:

ClinVar aggregate classification (germline): Uncertain significance (1 of 4 stars; one submission).

Conditions:
SLC35A2-congenital disorder of glycosylation. Also called: CONGENITAL DISORDER OF GLYCOSYLATION, TYPE IIm; CDG IIm; CONGENITAL DISORDER OF GLYCOSYLATION, TYPE IIm, SOMATIC MOSAIC; EPILEPTIC ENCEPHALOPATHY, EARLY INFANTILE, 22; DEVELOPMENTAL AND EPILEPTIC ENCEPHALOPATHY 22; SLC35A2-CDG. Identifiers: Orphanet 356961, MedGen C3806688, MONDO:0010478, OMIM 300896.

Allele frequency attached by ClinVar (database versions not stated): TOPMed 0.00001; gnomAD 0.00005.
gnomAD v4.1: 2 of 1,209,466 alleles (0.00017%); highest among the groups gnomAD compares: Non-Finnish European, 0.00022%; no homozygotes.

Submission:

Labcorp Genetics (formerly Invitae), Labcorp
Classification: Uncertain significance for SLC35A2-congenital disorder of glycosylation. Last evaluated: 2021-08-31. Review status: criteria provided, single submitter. Criteria: Invitae Variant Classification Sherloc (09022015). Collection method: clinical testing. Allele origin: germline.
Comment: This sequence change replaces valine with leucine at codon 320 of the SLC35A2 protein (p.Val320Leu). The valine residue is moderately conserved and there is a small physicochemical difference between valine and leucine. This variant is not present in population databases (ExAC no frequency). This variant has not been reported in the literature in individuals affected with SLC35A2-related conditions. Algorithms developed to predict the effect of missense changes on protein structure and function output the following: SIFT: "Tolerated"; PolyPhen-2: "Benign"; Align-GVGD: "Class C0". The leucine amino acid residue is found in multiple mammalian species, which suggests that this missense change does not adversely affect protein function. In summary, the available evidence is currently insufficient to determine the role of this variant in disease. Therefore, it has been classified as a Variant of Uncertain Significance.

NM_005660.3(SLC35A2):c.958G>T (p.Val320Leu)

Gene: SLC35A2 (solute carrier family 35 member A2; minus strand). Cytogenetic location: Xp11.23.
Variant type: single nucleotide variant.
Coding change: c.958G>T on transcript NM_005660.3 (MANE Select); coding-DNA position 958, G replaced by T.
Protein change: p.Val320Leu; replaces valine 320 with leucine.
Molecular consequence: missense variant. On other transcripts: intron variant (3).
Genome position (GRCh38, 1-based): chrX:48,904,951, C>A on the plus strand (G>T on the coding strand, the complement: SLC35A2 is on the minus strand). VCF-style: chrX-48904951-C-A. GRCh37 (hg19) VCF-style: chrX-48762228-C-A.
Other names: c.1042G>T, p.Val348Leu (NM_001282651.2); c.427-59G>T (NM_001282647.2, NM_001032289.3); c.355-59G>T (NM_001282648.2); c.958G>T, p.Val320Leu (NM_001042498.3); c.775G>T, p.Val259Leu (NM_001282649.2); c.997G>T, p.Val333Leu (NM_001282650.2); short protein forms V320L, V259L, V333L, V348L.
Identifiers: ClinVar variation 474049 (VCV000474049.6), dbSNP rs140079332, ClinGen allele CA412894650.